The following is an entry in ClinVar:

ClinVar aggregate classification (germline): Uncertain significance. Review status: criteria provided, multiple submitters, no conflicts (2 of 4 stars). 2 submissions from 2 submitters: Uncertain significance (2). Last evaluated 2026-03-15.

Conditions:
Brachyolmia-amelogenesis imperfecta syndrome. Also called: Tooth agenesis, selective, 6; Dental anomalies and short stature; PLATYSPONDYLY WITH AMELOGENESIS IMPERFECTA. Identifiers: Orphanet 2899, MedGen C1832594, MONDO:0011018, OMIM 601216. Disease mechanism: loss of function.
Inborn genetic diseases. Identifiers: MedGen C0950123, MeSH D030342.

gnomAD v4.1: 4 of 1,517,450 alleles (0.00026%); highest among the groups gnomAD compares: Non-Finnish European, 0.00035%; no homozygotes.

Submissions (2):

Ambry Genetics
Classification: Uncertain significance for Inborn genetic diseases. Last evaluated: 2026-03-15. Review status: criteria provided, single submitter. Criteria: Ambry Variant Classification Scheme 2023. Collection method: clinical testing. Allele origin: germline.
Comment: The p.D1136N variant (also known as c.3406G>A), located in coding exon 25 of the LTBP3 gene, results from a G to A substitution at nucleotide position 3406. The aspartic acid at codon 1136 is replaced by asparagine, an amino acid with highly similar properties. This amino acid position is conserved. In addition, this alteration is predicted to be tolerated by in silico analysis. Based on the available evidence, the clinical significance of this variant remains unclear.

Labcorp Genetics (formerly Invitae), Labcorp
Classification: Uncertain significance for Brachyolmia-amelogenesis imperfecta syndrome. Last evaluated: 2025-08-08. Review status: criteria provided, single submitter. Criteria: Invitae Variant Classification Sherloc (09022015). Collection method: clinical testing. Allele origin: germline.
Comment: This sequence change replaces aspartic acid, which is acidic and polar, with asparagine, which is neutral and polar, at codon 1136 of the LTBP3 protein (p.Asp1136Asn). This variant is not present in population databases (gnomAD no frequency). This variant has not been reported in the literature in individuals affected with LTBP3-related conditions. An algorithm developed to predict the effect of missense changes on protein structure and function (PolyPhen-2) suggests that this variant is likely to be tolerated. In summary, the available evidence is currently insufficient to determine the role of this variant in disease. Therefore, it has been classified as a Variant of Uncertain Significance.

NM_001130144.3(LTBP3):c.3406G>A (p.Asp1136Asn)

Gene: LTBP3 (latent transforming growth factor beta binding protein 3; minus strand). Cytogenetic location: 11q13.1.
Variant type: single nucleotide variant.
Coding change: c.3406G>A on transcript NM_001130144.3 (MANE Select); coding-DNA position 3406, G replaced by A.
Protein change: p.Asp1136Asn; replaces aspartic acid 1136 with asparagine.
Molecular consequence: missense variant.
Genome position (GRCh38, 1-based): chr11:65,539,861, C>T on the plus strand (G>A on the coding strand, the complement: LTBP3 is on the minus strand). VCF-style: chr11-65539861-C-T. GRCh37 (hg19) VCF-style: chr11-65307332-C-T.
Other names: c.3406G>A (NM_001130144.2); c.2914G>A, p.Asp972Asn (NM_001164266.1); c.3265G>A, p.Asp1089Asn (NM_021070.4); short protein forms D972N, D1089N, D1136N.
Identifiers: ClinVar variation 4740971 (VCV004740971.2).
Genomic context (GRCh38, chr11:65,539,861, plus strand): 5'-CAGGCCCGGCCAGGGGGCCAGCGCACATGCCGTCCTCTCCGCGCTGGCTCCAGCACACGT[C>T]GCGCCGCTCCGGGGCACGCTCTGCGGAAGACACCTGGCATCAGGGGAGGGGCCCAAGGCA-3'
Protein context (NP_001123616.1, residues 1126-1146): SPAERAPERR[Asp1136Asn]VCWSQRGEDG